The following is an entry in ClinVar:

NM_052867.4(NALCN):c.5074G>A (p.Gly1692Arg)

Genes: NALCN (sodium leak channel, non-selective; minus strand), NALCN-AS1 (NALCN antisense RNA 1; plus strand). Cytogenetic location: 13q32.3.
Variant type: single nucleotide variant.
Coding change: c.5074G>A on transcript NM_052867.4 (MANE Select); coding-DNA position 5074, G replaced by A.
Protein change: p.Gly1692Arg; replaces glycine 1692 with arginine.
Molecular consequence: missense variant. On other transcripts: non-coding transcript variant (1).
Genome position (GRCh38, 1-based): chr13:101,055,438, C>T on the plus strand (G>A on the coding strand, the complement: NALCN is on the minus strand). VCF-style: chr13-101055438-C-T. GRCh37 (hg19) VCF-style: chr13-101707790-C-T.
Other names: c.5161G>A, p.Gly1721Arg (NM_001350748.2); c.5074G>A, p.Gly1692Arg (NM_001350749.2); c.4987G>A, p.Gly1663Arg (NM_001350750.2, NM_001350751.2); short protein forms G1663R, G1692R, G1721R.
Identifiers: ClinVar variation 3616123 (VCV003616123.2).

ClinVar aggregate classification (germline): Uncertain significance (1 of 4 stars; one submission).

gnomAD v4.1: 29 of 1,613,992 alleles (0.0018%); highest among the groups gnomAD compares: Non-Finnish European, 0.0025%; no homozygotes.

Submission:

Labcorp Genetics (formerly Invitae), Labcorp
Classification: Uncertain significance. Last evaluated: 2024-10-24. Review status: criteria provided, single submitter. Criteria: Invitae Variant Classification Sherloc (09022015). Collection method: clinical testing. Allele origin: germline.
Comment: This sequence change replaces glycine, which is neutral and non-polar, with arginine, which is basic and polar, at codon 1692 of the NALCN protein (p.Gly1692Arg). This variant is present in population databases (rs745628402, gnomAD 0.002%). This variant has not been reported in the literature in individuals affected with NALCN-related conditions. Invitae Evidence Modeling of protein sequence and biophysical properties (such as structural, functional, and spatial information, amino acid conservation, physicochemical variation, residue mobility, and thermodynamic stability) indicates that this missense variant is not expected to disrupt NALCN protein function with a negative predictive value of 80%. In summary, the available evidence is currently insufficient to determine the role of this variant in disease. Therefore, it has been classified as a Variant of Uncertain Significance.